The following is an entry in ClinVar:

ClinVar aggregate classification (germline): Uncertain significance. Review status: criteria provided, multiple submitters, no conflicts (2 of 4 stars). 2 submissions from 2 submitters: Uncertain significance (2). Last evaluated 2024-05-06.

Conditions:
Inborn genetic diseases. Identifiers: MedGen C0950123, MeSH D030342.

Allele frequency attached by ClinVar (database versions not stated): TOPMed below 0.00001; gnomAD exomes 0.00002; gnomAD 0.00003.
gnomAD v4.1: 28 of 1,613,936 alleles (0.0017%); highest among the groups gnomAD compares: Non-Finnish European, 0.0024%; no homozygotes.

Submissions (2):

Ambry Genetics
Classification: Uncertain significance for Inborn genetic diseases. Last evaluated: 2024-05-06. Review status: criteria provided, single submitter. Criteria: Ambry Variant Classification Scheme 2023. Collection method: clinical testing. Allele origin: germline.

Labcorp Genetics (formerly Invitae), Labcorp
Classification: Uncertain significance. Last evaluated: 2022-04-07. Review status: criteria provided, single submitter. Criteria: Invitae Variant Classification Sherloc (09022015). Collection method: clinical testing. Allele origin: germline.
Comment: In summary, the available evidence is currently insufficient to determine the role of this variant in disease. Therefore, it has been classified as a Variant of Uncertain Significance. Algorithms developed to predict the effect of missense changes on protein structure and function are either unavailable or do not agree on the potential impact of this missense change (SIFT: "Deleterious"; PolyPhen-2: "Probably Damaging"; Align-GVGD: "Class C15"). This variant has not been reported in the literature in individuals affected with CA2-related conditions. This variant is present in population databases (rs754435155, gnomAD 0.004%). This sequence change replaces serine, which is neutral and polar, with arginine, which is basic and polar, at codon 218 of the CA2 protein (p.Ser218Arg).

NM_000067.3(CA2):c.654C>G (p.Ser218Arg)

Gene: CA2 (carbonic anhydrase 2; plus strand). Cytogenetic location: 8q21.2.
Variant type: single nucleotide variant.
Coding change: c.654C>G on transcript NM_000067.3 (MANE Select); coding-DNA position 654, C replaced by G.
Protein change: p.Ser218Arg; replaces serine 218 with arginine.
Molecular consequence: missense variant.
Genome position (GRCh38, 1-based): chr8:85,477,266, C>G. VCF-style: chr8-85477266-C-G. GRCh37 (hg19) VCF-style: chr8-86389495-C-G.
Other names: c.351C>G, p.Ser117Arg (NM_001293675.2); c.654C>G (NM_000067.2); short protein forms S117R, S218R.
Identifiers: ClinVar variation 2085687 (VCV002085687.4), dbSNP rs754435155, ClinGen allele CA180256302.